The following is an entry in ClinVar:

ClinVar aggregate classification (germline): Pathogenic. Review status: reviewed by expert panel (3 of 4 stars). 5 submissions from 5 submitters: Pathogenic (1). 4 of the submissions do not count toward it. Last evaluated 2016-09-08.

Conditions:
Breast-ovarian cancer, familial, susceptibility to, 1 (BROVCA1). Also called: BRCA1 Hereditary Breast and Ovarian Cancer; OVARIAN CANCER, SUSCEPTIBILITY TO. Identifiers: Orphanet 145, MedGen C2676676, MONDO:0011450, OMIM 604370. Disease mechanism: loss of function.
Hereditary cancer-predisposing syndrome. Also called: Hereditary Cancer Syndrome; Hereditary neoplastic syndrome; Neoplastic Syndromes, Hereditary; Tumor predisposition. Identifiers: Orphanet 140162, MedGen C0027672, MeSH D009386, MONDO:0015356.
Hereditary breast ovarian cancer syndrome. Also called: BRCA1- and BRCA2-Associated Hereditary Breast and Ovarian Cancer; Hereditary breast and ovarian cancer syndrome; Hereditary breast and ovarian cancer syndrome (HBOC); Breast and ovarian cancer; Hereditary breast and/or ovarian cancer syndrome; Hereditary breast and ovarian cancer. Identifiers: Orphanet 145, MedGen C0677776, MeSH D061325, MONDO:0003582. Disease mechanism: loss of function.

Submissions (5):

Evidence-based Network for the Interpretation of Germline Mutant Alleles (ENIGMA)
Classification: Pathogenic for Breast-ovarian cancer, familial, susceptibility to, 1. Last evaluated: 2016-09-08. Review status: reviewed by expert panel. Criteria: ENIGMA BRCA1/2 Classification Criteria (2015). Collection method: curation. Allele origin: germline.
Comment: Variant allele predicted to encode a truncated non-functional protein.

Labcorp Genetics (formerly Invitae), Labcorp
Classification: Pathogenic for Hereditary breast ovarian cancer syndrome. Last evaluated: 2026-01-13. Review status: criteria provided, single submitter. Criteria: Invitae Variant Classification Sherloc (09022015). Collection method: clinical testing. Allele origin: germline. Not counted in ClinVar's aggregate classification.
Comment: This sequence change creates a premature translational stop signal (p.Gln284Profs*2) in the BRCA1 gene. It is expected to result in an absent or disrupted protein product. Loss-of-function variants in BRCA1 are known to be pathogenic (PMID: 20104584). This variant is not present in population databases (gnomAD no frequency). This variant has not been reported in the literature in individuals affected with BRCA1-related conditions. ClinVar contains an entry for this variant (Variation ID: 55740). For these reasons, this variant has been classified as Pathogenic.

Ambry Genetics
Classification: Pathogenic for Hereditary cancer-predisposing syndrome. Last evaluated: 2019-06-17. Review status: criteria provided, single submitter. Criteria: Ambry Variant Classification Scheme 2023. Collection method: clinical testing. Allele origin: germline. Not counted in ClinVar's aggregate classification.
Comment: The c.851_852delAG pathogenic mutation, located in coding exon 9 of the BRCA1 gene, results from a deletion of two nucleotides at nucleotide positions 851 to 852, causing a translational frameshift with a predicted alternate stop codon (p.Q284Pfs*2). This alteration is expected to result in loss of function by premature protein truncation or nonsense-mediated mRNA decay. As such, this alteration is interpreted as a disease-causing mutation.

Quest Diagnostics Nichols Institute San Juan Capistrano
Classification: Pathogenic. Last evaluated: 2017-02-17. Review status: criteria provided, single submitter. Criteria: Quest Diagnostics criteria. Collection method: clinical testing. Allele origin: germline. Not counted in ClinVar's aggregate classification.

Breast Cancer Information Core (BIC) (BRCA1)
Classification: Pathogenic for Breast-ovarian cancer, familial 1. Last evaluated: 2004-11-25. Review status: no assertion criteria provided. Collection method: clinical testing. Allele origin: germline. Affected: yes. Observed: 1 variant allele. Not counted in ClinVar's aggregate classification.

Literature cited by the submitters: PubMed 20104584 (cited by Labcorp Genetics (formerly Invitae), Labcorp).

NM_007294.4(BRCA1):c.851_852del (p.Gln284fs)

Gene: BRCA1 (BRCA1 DNA repair associated; minus strand). Cytogenetic location: 17q21.31.
Variant type: Deletion.
Coding change: c.851_852del on transcript NM_007294.4 (MANE Select); coding-DNA positions 851 to 852, 2 bases deleted (AG; older notation c.851_852delAG).
Protein change: p.Gln284fs; shifts the reading frame from glutamine 284.
Molecular consequence: frameshift variant. On other transcripts: 5 prime UTR variant (2), intron variant (137).
Genome position (GRCh38, 1-based): chr17:43,094,679-43,094,680, CT deleted on the plus strand (AG on the coding strand, the reverse complement: BRCA1 is on the minus strand). VCF-style (leftmost placement, unchanged base first): chr17-43094678-GCT-G. GRCh37 (hg19) VCF-style: chr17-41246695-GCT-G.
Other names: 970delAG; c.728_729del, p.Gln243fs (NM_001407682.1, NM_001407683.1, NM_001407863.1 and 19 more transcripts); c.851_852del, p.Gln284fs (NM_001407684.1, NM_001407854.1, NM_001407858.1 and 30 more transcripts); c.725_726del, p.Gln242fs (NM_001407685.1, NM_001407686.1, NM_001407687.1 and 11 more transcripts); c.710_711del, p.Gln237fs (NM_001407692.1, NM_001407694.1, NM_001407695.1 and 29 more transcripts); c.707_708del, p.Gln236fs (NM_001407740.1, NM_001407741.1, NM_001407742.1 and 20 more transcripts); c.638_639del, p.Gln213fs (NM_001407853.1, NM_001407894.1, NM_001407895.1 and 9 more transcripts); c.848_849del, p.Gln283fs (NM_001407860.1, NM_001407861.1, NM_001407587.1 and 22 more transcripts); and 41 more; short protein forms Q237fs, Q284fs, Q157fs, Q195fs, Q196fs, Q213fs, Q217fs, Q236fs.
Identifiers: ClinVar variation 55740 (VCV000055740.13), dbSNP rs80357719, ClinGen allele CA003941.
Genomic context (GRCh38, chr17:43,094,678, plus strand): 5'-AGAATTCAGCCTTTTCTACATTCATTCTGTCTTTAGTGAGTAATAAACTGCTGTTCTCAT[GCT>G]GTAATGAGCTGGCATGAGTATTTGTGCCACATGGCTCCACATGCAAGTTTGAAACAGAAC-3'